The following is an entry in ClinVar:

ClinVar aggregate classification (germline): Uncertain significance (1 of 4 stars; one submission).

Conditions:
Inborn genetic diseases. Identifiers: MedGen C0950123, MeSH D030342.

gnomAD v4.1: 1 of 1,611,082 alleles (0.000062%); no homozygotes.

Submission:

Ambry Genetics
Classification: Uncertain significance for Inborn genetic diseases. Last evaluated: 2025-02-21. Review status: criteria provided, single submitter. Criteria: Ambry Variant Classification Scheme 2023. Collection method: clinical testing. Allele origin: germline.
Comment: The p.G12E variant (also known as c.35G>A), located in coding exon 1 of the MBD4 gene, results from a G to A substitution at nucleotide position 35. The glycine at codon 12 is replaced by glutamic acid, an amino acid with similar properties. This amino acid position is conserved. In addition, this alteration is predicted to be tolerated by in silico analysis. Based on the available evidence, the clinical significance of this variant remains unclear.

NM_001276270.2(MBD4):c.35G>A (p.Gly12Glu)

Genes: MBD4 (methyl-CpG binding domain 4, DNA glycosylase; minus strand), LOC129937550 (ATAC-STARR-seq lymphoblastoid active region 20512; plus strand). Cytogenetic location: 3q21.3.
Variant type: single nucleotide variant.
Coding change: c.35G>A on transcript NM_001276270.2 (MANE Select); coding-DNA position 35, G replaced by A.
Protein change: p.Gly12Glu; replaces glycine 12 with glutamic acid.
Molecular consequence: missense variant.
Genome position (GRCh38, 1-based): chr3:129,439,799, C>T on the plus strand (G>A on the coding strand, the complement: MBD4 is on the minus strand). VCF-style: chr3-129439799-C-T. GRCh37 (hg19) VCF-style: chr3-129158642-C-T.
Other names: c.35G>A, p.Gly12Glu (NM_001276271.2, NM_001276272.2, NM_001276273.2 and 1 more transcripts); short protein forms G12E.
Identifiers: ClinVar variation 3870942 (VCV003870942.1).